The following is an entry in ClinVar:

NM_005051.3(QARS1):c.400C>T (p.Arg134Trp)

Gene: QARS1 (glutaminyl-tRNA synthetase 1; minus strand). Cytogenetic location: 3p21.31.
Variant type: single nucleotide variant.
Coding change: c.400C>T on transcript NM_005051.3 (MANE Select); coding-DNA position 400, C replaced by T.
Protein change: p.Arg134Trp; replaces arginine 134 with tryptophan.
Molecular consequence: missense variant. On other transcripts: non-coding transcript variant (1).
Genome position (GRCh38, 1-based): chr3:49,103,682, G>A on the plus strand (C>T on the coding strand, the complement: QARS1 is on the minus strand). VCF-style: chr3-49103682-G-A. GRCh37 (hg19) VCF-style: chr3-49141115-G-A.
Other names: c.367C>T, p.Arg123Trp (NM_001272073.2); c.400C>T (NM_005051.1); short protein forms R123W, R134W.
Identifiers: ClinVar variation 848937 (VCV000848937.7), dbSNP rs142831772, ClinGen allele CA2392179.
Genomic context (GRCh38, chr3:49,103,682, plus strand): 5'-CCTGCTCACCCATCAGCAGCCCCATGTTGAAATGGTAACGTTCCACCAGGAGCTGGGGCC[G>A]GTGCCTGTTAATAGCAGCCTCCACCTGCAGAAAGCCAAACCATGTGGTTCAGGAAAGCCA-3'
Protein context (NP_005042.1, residues 124-144): EAVEAAINRH[Arg134Trp]PQLLVERYHF

ClinVar aggregate classification (germline): Uncertain significance. Review status: criteria provided, multiple submitters, no conflicts (2 of 4 stars). 4 submissions from 4 submitters: Uncertain significance (4). Last evaluated 2024-04-23.

Conditions:
Inborn genetic diseases. Identifiers: MedGen C0950123, MeSH D030342.
Diffuse cerebral and cerebellar atrophy - intractable seizures - progressive microcephaly syndrome. Also called: Microcephaly, progressive, with seizures and cerebral and cerebellar atrophy. Identifiers: Orphanet 404437, MedGen C4014239, MONDO:0014335, OMIM 615760.

Allele frequency attached by ClinVar (database versions not stated): gnomAD 0.00017 and 0.00018; ESP Exome Variant Server 0.00023; TOPMed 0.00023.

Submissions (4):

Ambry Genetics
Classification: Uncertain significance for Inborn genetic diseases. Last evaluated: 2024-04-23. Review status: criteria provided, single submitter. Criteria: Ambry Variant Classification Scheme 2023. Collection method: clinical testing. Allele origin: germline.

GeneDx
Classification: Uncertain significance. Last evaluated: 2022-11-28. Review status: criteria provided, single submitter. Criteria: GeneDx Variant Classification Process June 2021. Collection method: clinical testing. Allele origin: germline. Affected: yes.
Comment: In silico analysis supports that this missense variant has a deleterious effect on protein structure/function; Has not been previously published as pathogenic or benign to our knowledge; This variant is associated with the following publications: (PMID: 25471517)

Laboratorio de Genetica e Diagnostico Molecular, Hospital Israelita Albert Einstein
Classification: Uncertain significance for Diffuse cerebral and cerebellar atrophy - intractable seizures - progressive microcephaly syndrome. Last evaluated: 2022-10-13. Review status: criteria provided, single submitter. Criteria: ACMG Guidelines, 2015. Collection method: clinical testing. Allele origin: germline. Affected: yes. Observed: 1 variant allele.
Comment: ACMG classification criteria: PM2 supporting, BP4 supporting

Labcorp Genetics (formerly Invitae), Labcorp
Classification: Uncertain significance for Diffuse cerebral and cerebellar atrophy - intractable seizures - progressive microcephaly syndrome. Last evaluated: 2022-08-23. Review status: criteria provided, single submitter. Criteria: Invitae Variant Classification Sherloc (09022015). Collection method: clinical testing. Allele origin: germline.
Comment: This sequence change replaces arginine, which is basic and polar, with tryptophan, which is neutral and slightly polar, at codon 134 of the QARS protein (p.Arg134Trp). This variant is present in population databases (rs142831772, gnomAD 0.08%). This variant has not been reported in the literature in individuals affected with QARS-related conditions. ClinVar contains an entry for this variant (Variation ID: 848937). Algorithms developed to predict the effect of missense changes on protein structure and function are either unavailable or do not agree on the potential impact of this missense change (SIFT: "Deleterious"; PolyPhen-2: "Possibly Damaging"; Align-GVGD: "Class C0"). In summary, the available evidence is currently insufficient to determine the role of this variant in disease. Therefore, it has been classified as a Variant of Uncertain Significance.